The following is an entry in ClinVar:

NM_000018.4(ACADVL):c.623-35C>A

Gene: ACADVL (acyl-CoA dehydrogenase very long chain; plus strand). Cytogenetic location: 17p13.1.
Variant type: single nucleotide variant.
Coding change: c.623-35C>A on transcript NM_000018.4 (MANE Select); 35 bases into the intron before coding-DNA position 623, C replaced by A.
Molecular consequence: intron variant.
Genome position (GRCh38, 1-based): chr17:7,221,917, C>A. VCF-style: chr17-7221917-C-A. GRCh37 (hg19) VCF-style: chr17-7125236-C-A.
Other names: c.692-35C>A (NM_001270447.2); c.395-35C>A (NM_001270448.2); c.557-35C>A (NM_001033859.3).
Identifiers: ClinVar variation 932816 (VCV000932816.2), dbSNP rs1303764728, ClinGen allele CA1139665139.

ClinVar aggregate classification (germline): Uncertain significance (1 of 4 stars; one submission).

Conditions:
Very long chain acyl-CoA dehydrogenase deficiency (ACADVLD). Also called: Very Long-Chain Acyl-Coenzyme A Dehydrogenase Deficiency; VLCAD Deficiency. Identifiers: Orphanet 26793, MedGen C3887523, MONDO:0008723, OMIM 201475.

Allele frequency attached by ClinVar (database versions not stated): TOPMed below 0.00001.

Submission:

Wong Mito Lab, Molecular and Human Genetics, Baylor College of Medicine
Classification: Uncertain significance for Very long chain acyl-CoA dehydrogenase deficiency. Last evaluated: 2019-11-01. Review status: criteria provided, single submitter. Criteria: ACMG Guidelines, 2015. Collection method: clinical testing. Allele origin: germline.
Comment: The NM_000018.3:c.623-35C>A (NP_000009.1:p.?) [GRCH38: NC_000017.11:g.7221917C>A] variant in ACADVL gene is interpretated to be Uncertain Significance based on ACMG guidelines (PMID: 25741868). This variant has been reported. This variant dose not meet any evidence codes reported in the ACMG guidelines.